The following is an entry in ClinVar:

NM_002427.4(MMP13):c.596C>T (p.Ala199Val)

Gene: MMP13 (matrix metallopeptidase 13; minus strand). Cytogenetic location: 11q22.2.
Variant type: single nucleotide variant.
Coding change: c.596C>T on transcript NM_002427.4 (MANE Select); coding-DNA position 596, C replaced by T.
Protein change: p.Ala199Val; replaces alanine 199 with valine.
Molecular consequence: missense variant.
Genome position (GRCh38, 1-based): chr11:102,954,197, G>A on the plus strand (C>T on the coding strand, the complement: MMP13 is on the minus strand). VCF-style: chr11-102954197-G-A. GRCh37 (hg19) VCF-style: chr11-102824926-G-A.
Other names: short protein forms A199V.
Identifiers: ClinVar variation 4745060 (VCV004745060.1).

ClinVar aggregate classification (germline): Uncertain significance (1 of 4 stars; one submission).

gnomAD v4.1: 1 of 1,613,478 alleles (0.000062%); highest among the groups gnomAD compares: South Asian, 0.0011%; no homozygotes.

Submission:

Labcorp Genetics (formerly Invitae), Labcorp
Classification: Uncertain significance. Last evaluated: 2025-07-02. Review status: criteria provided, single submitter. Criteria: Invitae Variant Classification Sherloc (09022015). Collection method: clinical testing. Allele origin: germline.
Comment: This sequence change replaces alanine, which is neutral and non-polar, with valine, which is neutral and non-polar, at codon 199 of the MMP13 protein (p.Ala199Val). This variant is not present in population databases (gnomAD no frequency). This variant has not been reported in the literature in individuals affected with MMP13-related conditions. Invitae Evidence Modeling of protein sequence and biophysical properties (such as structural, functional, and spatial information, amino acid conservation, physicochemical variation, residue mobility, and thermodynamic stability) indicates that this missense variant is not expected to disrupt MMP13 protein function with a negative predictive value of 80%. In summary, the available evidence is currently insufficient to determine the role of this variant in disease. Therefore, it has been classified as a Variant of Uncertain Significance.